The following is an entry in ClinVar:

NM_001613.4(ACTA2):c.258+6G>A

Gene: ACTA2 (actin alpha 2, smooth muscle; minus strand). Cytogenetic location: 10q23.31.
Variant type: single nucleotide variant.
Coding change: c.258+6G>A on transcript NM_001613.4 (MANE Select); 6 bases into the intron after coding-DNA position 258, G replaced by A.
Molecular consequence: intron variant.
Genome position (GRCh38, 1-based): chr10:88,947,252, C>T on the plus strand (G>A on the coding strand, the complement: ACTA2 is on the minus strand). VCF-style: chr10-88947252-C-T. GRCh37 (hg19) VCF-style: chr10-90707009-C-T.
Other names: c.129+1550G>A (NM_001406467.1, NM_001406468.1, NM_001406469.1); c.258+6G>A (NM_001320855.2, NM_001406462.1, NM_001406471.1 and 4 more transcripts).
Identifiers: ClinVar variation 920300 (VCV000920300.9), dbSNP rs1415012145, ClinGen allele CA594941096.
Genomic context (GRCh38, chr10:88,947,252, plus strand): 5'-GTTCTGTATCAGAGAACACAGGGATTATGCATCCTGAGGGCCCAAGCTGCAGCAAACCTC[C>T]CATACCTTTTCCATGTCGTCCCAGTTGGTGATGATGCCATGTTCTATCGGGTACTTCAGG-3'

ClinVar aggregate classification (germline): Conflicting classifications of pathogenicity. Review status: criteria provided, conflicting classifications (1 of 4 stars). 2 submissions from 2 submitters: Uncertain significance (1); Likely benign (1). Last evaluated 2022-06-16.

Conditions:
Familial thoracic aortic aneurysm and aortic dissection (TAAD). Also called: Thoracic aortic aneurysms and dissections. Identifiers: Orphanet 91387, MedGen C4707243, MONDO:0019625.
Aortic aneurysm, familial thoracic 6 (AAT6). Also called: FAMILIAL THORACIC AORTIC ANEURYSM WITH LIVEDO RETICULARIS AND IRIS FLOCCULI. Identifiers: MedGen C2673186, MONDO:0012730, OMIM 611788.

Allele frequency attached by ClinVar (database versions not stated): gnomAD exomes below 0.00001; gnomAD 0.00001.
gnomAD v4.1: 4 of 1,613,712 alleles (0.00025%); highest among the groups gnomAD compares: Non-Finnish European, 0.00017%; no homozygotes.

Submissions (2):

Labcorp Genetics (formerly Invitae), Labcorp
Classification: Uncertain significance for Aortic aneurysm, familial thoracic 6. Last evaluated: 2022-06-16. Review status: criteria provided, single submitter. Criteria: Invitae Variant Classification Sherloc (09022015). Collection method: clinical testing. Allele origin: germline.
Comment: In summary, the available evidence is currently insufficient to determine the role of this variant in disease. Therefore, it has been classified as a Variant of Uncertain Significance. Variants that disrupt the consensus splice site are a relatively common cause of aberrant splicing (PMID: 17576681, 9536098). Algorithms developed to predict the effect of sequence changes on RNA splicing suggest that this variant is not likely to affect RNA splicing. ClinVar contains an entry for this variant (Variation ID: 920300). This variant has not been reported in the literature in individuals affected with ACTA2-related conditions. This variant is present in population databases (no rsID available, gnomAD 0.01%). This sequence change falls in intron 3 of the ACTA2 gene. It does not directly change the encoded amino acid sequence of the ACTA2 protein. It affects a nucleotide within the consensus splice site.

Color Diagnostics, LLC DBA Color Health
Classification: Likely benign for Familial thoracic aortic aneurysm and aortic dissection. Last evaluated: 2019-08-21. Review status: criteria provided, single submitter. Criteria: ACMG Guidelines, 2015. Collection method: clinical testing. Allele origin: germline.

Literature cited by the submitters: PubMed 17576681 (cited by Labcorp Genetics (formerly Invitae), Labcorp); PubMed 9536098 (cited by Labcorp Genetics (formerly Invitae), Labcorp).